The following is an entry in ClinVar:

NM_018699.4(PRDM5):c.1216T>C (p.Cys406Arg)

Gene: PRDM5 (PR/SET domain 5; minus strand). Cytogenetic location: 4q27.
Variant type: single nucleotide variant.
Coding change: c.1216T>C on transcript NM_018699.4 (MANE Select); coding-DNA position 1216, T replaced by C.
Protein change: p.Cys406Arg; replaces cysteine 406 with arginine.
Molecular consequence: missense variant.
Genome position (GRCh38, 1-based): chr4:120,785,064, A>G on the plus strand (T>C on the coding strand, the complement: PRDM5 is on the minus strand). VCF-style: chr4-120785064-A-G. GRCh37 (hg19) VCF-style: chr4-121706219-A-G.
Other names: c.1123T>C, p.Cys375Arg (NM_001300823.2, NM_001300824.2, NM_001379106.1); c.1249T>C, p.Cys417Arg (NM_001379104.1); c.1216T>C (NM_018699.2); short protein forms C417R, C375R, C406R.
Identifiers: ClinVar variation 1915003 (VCV001915003.4), dbSNP rs1443088108, ClinGen allele CA358209442.
Genomic context (GRCh38, chr4:120,785,064, plus strand): 5'-GTATTAGCAGGTGTCTCTGTAAAGAAAATGGGGTCCGGAACAAAGCTTTACATTCTTCAC[A>G]TTGGAACGGTCTCTCCTCAGAGTGGGTCTGCAGAGGAAAAACACTGAGTCAGGAGGATCT-3'
Protein context (NP_061169.2, residues 396-416): KTHSEERPFQ[Cys406Arg]EECKALFRTP

ClinVar aggregate classification (germline): Uncertain significance. Review status: criteria provided, multiple submitters, no conflicts (2 of 4 stars). 3 submissions from 3 submitters: Uncertain significance (3). Last evaluated 2024-07-24.

Conditions:
Cardiovascular phenotype. Identifiers: MedGen CN230736.

Allele frequency attached by ClinVar (database versions not stated): gnomAD 0.00001; gnomAD exomes 0.00001; TOPMed 0.00001.
gnomAD v4.1: 9 of 1,611,576 alleles (0.00056%); highest among the groups gnomAD compares: Non-Finnish European, 0.00076%; no homozygotes.

Submissions (3):

GeneDx
Classification: Uncertain significance. Last evaluated: 2024-07-24. Review status: criteria provided, single submitter. Criteria: GeneDx Variant Classification Process June 2021. Collection method: clinical testing. Allele origin: germline. Affected: yes.
Comment: Has not been previously published as pathogenic or benign to our knowledge; Not observed at significant frequency in large population cohorts (gnomAD); In silico analysis supports that this missense variant has a deleterious effect on protein structure/function

Ambry Genetics
Classification: Uncertain significance for Cardiovascular phenotype. Last evaluated: 2024-02-06. Review status: criteria provided, single submitter. Criteria: Ambry Variant Classification Scheme 2023. Collection method: clinical testing. Allele origin: germline.
Comment: The p.C406R variant (also known as c.1216T>C), located in coding exon 11 of the PRDM5 gene, results from a T to C substitution at nucleotide position 1216. The cysteine at codon 406 is replaced by arginine, an amino acid with highly dissimilar properties. This amino acid position is conserved. In addition, this alteration is predicted to be deleterious by in silico analysis. Based on the available evidence, the clinical significance of this alteration remains unclear.

Labcorp Genetics (formerly Invitae), Labcorp
Classification: Uncertain significance. Last evaluated: 2022-03-16. Review status: criteria provided, single submitter. Criteria: Invitae Variant Classification Sherloc (09022015). Collection method: clinical testing. Allele origin: germline.
Comment: This sequence change replaces cysteine, which is neutral and slightly polar, with arginine, which is basic and polar, at codon 406 of the PRDM5 protein (p.Cys406Arg). This variant is not present in population databases (gnomAD no frequency). This variant has not been reported in the literature in individuals affected with PRDM5-related conditions. Algorithms developed to predict the effect of missense changes on protein structure and function are either unavailable or do not agree on the potential impact of this missense change (SIFT: "Tolerated"; PolyPhen-2: "Probably Damaging"; Align-GVGD: "Class C0"). In summary, the available evidence is currently insufficient to determine the role of this variant in disease. Therefore, it has been classified as a Variant of Uncertain Significance.